The following is an entry in ClinVar:

ClinVar aggregate classification (germline): Uncertain significance (1 of 4 stars; one submission).

Conditions:
Hypertrophic cardiomyopathy. Also called: HYPERTROPHIC MYOCARDIOPATHY. Identifiers: Orphanet 217569, MedGen C0007194, MeSH D002312, MONDO:0005045, HP:0001639.

gnomAD v4.1: 7 of 1,613,226 alleles (0.00043%); highest among the groups gnomAD compares: Admixed American, 0.0067%; no homozygotes.

Submission:

Labcorp Genetics (formerly Invitae), Labcorp
Classification: Uncertain significance for Hypertrophic cardiomyopathy. Last evaluated: 2024-12-10. Review status: criteria provided, single submitter. Criteria: Invitae Variant Classification Sherloc (09022015). Collection method: clinical testing. Allele origin: germline.
Comment: This sequence change replaces threonine, which is neutral and polar, with isoleucine, which is neutral and non-polar, at codon 1593 of the MYOM1 protein (p.Thr1593Ile). This variant is present in population databases (rs757141097, gnomAD 0.01%). This variant has not been reported in the literature in individuals affected with MYOM1-related conditions. Invitae Evidence Modeling of protein sequence and biophysical properties (such as structural, functional, and spatial information, amino acid conservation, physicochemical variation, residue mobility, and thermodynamic stability) has been performed for this missense variant. However, the output from this modeling did not meet the statistical confidence thresholds required to predict the impact of this variant on MYOM1 protein function. In summary, the available evidence is currently insufficient to determine the role of this variant in disease. Therefore, it has been classified as a Variant of Uncertain Significance.

NM_003803.4(MYOM1):c.4778C>T (p.Thr1593Ile)

Gene: MYOM1 (myomesin 1; minus strand). Cytogenetic location: 18p11.31.
Variant type: single nucleotide variant.
Coding change: c.4778C>T on transcript NM_003803.4 (MANE Select); coding-DNA position 4778, C replaced by T.
Protein change: p.Thr1593Ile; replaces threonine 1593 with isoleucine.
Molecular consequence: missense variant.
Genome position (GRCh38, 1-based): chr18:3,067,542, G>A on the plus strand (C>T on the coding strand, the complement: MYOM1 is on the minus strand). VCF-style: chr18-3067542-G-A. GRCh37 (hg19) VCF-style: chr18-3067540-G-A.
Other names: c.4490C>T, p.Thr1497Ile (NM_019856.2); short protein forms T1497I, T1593I.
Identifiers: ClinVar variation 3668716 (VCV003668716.2).
Genomic context (GRCh38, chr18:3,067,542, plus strand): 5'-AGGGCCTTCTCGTTCTTCAACCACGACACCTCCGGAGGCGGGTCTCCCCACACGTTGCAA[G>A]TGAGATTAAGGGCCTGCAAGACAGGTTTTATGGGAGAGAAGAAGATAAATTAGATGTAAT-3'
Protein context (NP_003794.3, residues 1583-1603): TIQEGKALNL[Thr1593Ile]CNVWGDPPPE